The following is an entry in ClinVar:

NM_001375524.1(TRRAP):c.615G>A (p.Glu205=)

Gene: TRRAP (transformation/transcription domain associated protein; plus strand). Cytogenetic location: 7q22.1.
Variant type: single nucleotide variant.
Coding change: c.615G>A on transcript NM_001375524.1 (MANE Select); coding-DNA position 615, G replaced by A.
Protein change: p.Glu205=; no amino-acid change (glutamic acid 205 retained).
Molecular consequence: synonymous variant.
Genome position (GRCh38, 1-based): chr7:98,897,848, G>A. VCF-style: chr7-98897848-G-A. GRCh37 (hg19) VCF-style: chr7-98495471-G-A.
Other names: c.615G>A, p.Glu205= (NM_001244580.2, NM_003496.4); c.615G>A (NM_003496.3).
Identifiers: ClinVar variation 2075774 (VCV002075774.13), dbSNP rs143711528, ClinGen allele CA4359297.

ClinVar aggregate classification (germline): Benign/Likely benign. Review status: criteria provided, multiple submitters, no conflicts (2 of 4 stars). 4 submissions from 4 submitters: Benign (1); Likely benign (3). Last evaluated 2026-01-24.

Conditions:
TRRAP-related disorder. Also called: TRRAP-related condition.

Allele frequency attached by ClinVar (database versions not stated): gnomAD exomes 0.00012; ExAC 0.00036; ESP Exome Variant Server 0.00123; gnomAD 0.00133; TOPMed 0.00176; 1000 Genomes Project 0.00260; 1000 Genomes Project 30x 0.00281.
gnomAD v4.1: 396 of 1,614,004 alleles (0.025%); highest among the groups gnomAD compares: African/African-American, 0.41%; no homozygotes.

Submissions (4):

Labcorp Genetics (formerly Invitae), Labcorp
Classification: Benign. Last evaluated: 2026-01-24. Review status: criteria provided, single submitter. Criteria: Invitae Variant Classification Sherloc (09022015). Collection method: clinical testing. Allele origin: germline.

CeGaT Center for Human Genetics Tuebingen
Classification: Likely benign. Last evaluated: 2025-04-01. Review status: criteria provided, single submitter. Criteria: CeGaT Center For Human Genetics Tuebingen Variant Classification Criteria Version 2. Collection method: clinical testing. Allele origin: germline. Affected: yes. Observed: 1 variant allele.
Comment: TRRAP: BP4, BP7

Blueprint Genetics
Classification: Likely benign. Last evaluated: 2024-11-25. Review status: criteria provided, single submitter. Criteria: ACMG Guidelines, 2015. Collection method: clinical testing. Allele origin: germline.

PreventionGenetics, part of Exact Sciences
Classification: Likely benign for TRRAP-related condition. Last evaluated: 2024-10-20. Review status: criteria provided, single submitter. Criteria: ACMG Guidelines, 2015. Collection method: clinical testing. Allele origin: germline.
Comment: This variant is classified as likely benign based on ACMG/AMP sequence variant interpretation guidelines (Richards et al. 2015 PMID: 25741868, with internal and published modifications).